The following is an entry in ClinVar:

ClinVar aggregate classification (germline): Uncertain significance (1 of 4 stars; one submission).

Submission:

GeneDx
Classification: Uncertain significance. Last evaluated: 2026-02-19. Review status: criteria provided, single submitter. Criteria: GeneDx Variant Classification Process June 2021. Collection method: clinical testing. Allele origin: germline.
Comment: Not observed at significant frequency in large population cohorts (gnomAD); In silico analysis suggests that this missense variant does not alter protein structure/function; Has not been previously published as pathogenic or benign to our knowledge

NM_001394998.1(TANC2):c.3505A>G (p.Met1169Val)

Genes: TANC2 (tetratricopeptide repeat, ankyrin repeat and coiled-coil containing 2; plus strand), LOC105371856 (uncharacterized LOC105371856; minus strand). Cytogenetic location: 17q23.3.
Variant type: single nucleotide variant.
Coding change: c.3505A>G on transcript NM_001394998.1 (MANE Select); coding-DNA position 3505, A replaced by G.
Protein change: p.Met1169Val; replaces methionine 1169 with valine.
Molecular consequence: missense variant.
Genome position (GRCh38, 1-based): chr17:63,406,193, A>G. VCF-style: chr17-63406193-A-G. GRCh37 (hg19) VCF-style: chr17-61483554-A-G.
Other names: c.3283A>G, p.Met1095Val (NM_001411076.1, NM_025185.4); short protein forms M1095V, M1169V.
Identifiers: ClinVar variation 4976215 (VCV004976215.1).